The following is an entry in ClinVar:

ClinVar aggregate classification (germline): Likely benign. Review status: criteria provided, multiple submitters, no conflicts (2 of 4 stars). 2 submissions from 2 submitters: Likely benign (2). Last evaluated 2026-01-24.

Conditions:
Autosomal recessive limb-girdle muscular dystrophy type 2O. Also called: MUSCULAR DYSTROPHY-DYSTROGLYCANOPATHY (LIMB-GIRDLE), TYPE C, 3; MUSCULAR DYSTROPHY-DYSTROGLYCANOPATHY, LIMB-GIRDLE, POMGNT1-RELATED; Limb-Girdle Muscular Dystrophy Type 3C. Identifiers: Orphanet 206564, MedGen C3150417, MONDO:0013161, OMIM 613157.
Muscular dystrophy-dystroglycanopathy (congenital with impaired intellectual development), type B, 3. Also called: Muscular dystrophy-dystroglycanopathy (congenital with intellectual disability), type B3; MUSCULAR DYSTROPHY, CONGENITAL, POMGNT1-RELATED. Identifiers: MedGen C3150412, MONDO:0013155, OMIM 613151.

Allele frequency attached by ClinVar (database versions not stated): ExAC 0.00001; TOPMed 0.00002; gnomAD 0.00002.
gnomAD v4.1: 90 of 1,614,080 alleles (0.0056%); highest among the groups gnomAD compares: Non-Finnish European, 0.0072%; no homozygotes.

Submissions (2):

Labcorp Genetics (formerly Invitae), Labcorp
Classification: Likely benign for Autosomal recessive limb-girdle muscular dystrophy type 2O; Muscular dystrophy-dystroglycanopathy (congenital with impaired intellectual development), type B, 3. Last evaluated: 2026-01-24. Review status: criteria provided, single submitter. Criteria: Invitae Variant Classification Sherloc (09022015). Collection method: clinical testing. Allele origin: germline.

GeneDx
Classification: Likely benign. Last evaluated: 2018-04-24. Review status: criteria provided, single submitter. Criteria: GeneDx Variant Classification (06012015). Collection method: clinical testing. Allele origin: germline. Affected: yes.
Comment: This variant is considered likely benign or benign based on one or more of the following criteria: it is a conservative change, it occurs at a poorly conserved position in the protein, it is predicted to be benign by multiple in silico algorithms, and/or has population frequency not consistent with disease.

NM_017739.4(POMGNT1):c.1414-11A>C

Genes: POMGNT1 (protein O-linked mannose N-acetylglucosaminyltransferase 1 (beta 1,2-); minus strand), TSPAN1 (tetraspanin 1; plus strand). Cytogenetic location: 1p34.1.
Variant type: single nucleotide variant.
Coding change: c.1414-11A>C on transcript NM_017739.4 (MANE Select); 11 bases into the intron before coding-DNA position 1414, A replaced by C.
Molecular consequence: intron variant.
Genome position (GRCh38, 1-based): chr1:46,192,234, T>G on the plus strand (A>C on the coding strand, the complement: POMGNT1 is on the minus strand). VCF-style: chr1-46192234-T-G. GRCh37 (hg19) VCF-style: chr1-46657906-T-G.
Other names: c.1414-11A>C (NM_001243766.2, NM_001438686.1, NM_001438688.1 and 3 more transcripts); c.1348-11A>C (NM_001290129.3, NM_001438691.1, NM_001438692.1); c.985-11A>C (NM_001290130.2).
Identifiers: ClinVar variation 682315 (VCV000682315.6), dbSNP rs772014671, ClinGen allele CA833374.
Genomic context (GRCh38, chr1:46,192,234, plus strand): 5'-CGGCCCCGGCGTTGTTCAGGCATCCGCATCCACATGTCCCAATCCCAGAGCTGGCAGACA[T>G]GGACCACGATGAAGGTTAAGATGTTTCGAGTTGGTAGGGGACTCCAGCCCCCTCACCCTA-3'